The following is an entry in ClinVar:

ClinVar aggregate classification (germline): Uncertain significance. Review status: criteria provided, multiple submitters, no conflicts (2 of 4 stars). 2 submissions from 2 submitters: Uncertain significance (2). Last evaluated 2025-01-21.

Conditions:
Inborn genetic diseases. Identifiers: MedGen C0950123, MeSH D030342.

Submissions (2):

GeneDx
Classification: Uncertain significance. Last evaluated: 2025-01-21. Review status: criteria provided, single submitter. Criteria: GeneDx Variant Classification Process June 2021. Collection method: clinical testing. Allele origin: germline. Affected: yes.
Comment: Not observed at significant frequency in large population cohorts (gnomAD); In silico analysis indicates that this missense variant does not alter protein structure/function; Has not been previously published as pathogenic or benign to our knowledge

Ambry Genetics
Classification: Uncertain significance for Inborn genetic diseases. Last evaluated: 2024-12-22. Review status: criteria provided, single submitter. Criteria: Ambry Variant Classification Scheme 2023. Collection method: clinical testing. Allele origin: germline.

NM_001457.4(FLNB):c.5107A>C (p.Met1703Leu)

Gene: FLNB (filamin B; plus strand). Cytogenetic location: 3p14.3.
Variant type: single nucleotide variant.
Coding change: c.5107A>C on transcript NM_001457.4 (MANE Select); coding-DNA position 5107, A replaced by C.
Protein change: p.Met1703Leu; replaces methionine 1703 with leucine.
Molecular consequence: missense variant.
Genome position (GRCh38, 1-based): chr3:58,138,527, A>C. VCF-style: chr3-58138527-A-C. GRCh37 (hg19) VCF-style: chr3-58124254-A-C.
Other names: c.5200A>C, p.Met1734Leu (NM_001164317.2); c.5107A>C, p.Met1703Leu (NM_001164318.2, NM_001164319.2); short protein forms M1703L, M1734L.
Identifiers: ClinVar variation 3850757 (VCV003850757.2).